The following is an entry in ClinVar:

ClinVar aggregate classification (germline): Likely pathogenic (1 of 4 stars; one submission).
ClinVar aggregate classification (oncogenicity): Likely oncogenic (1 of 4 stars; one submission).

Conditions:
Warts, hypogammaglobulinemia, infections, and myelokathexis. Also called: WHIM syndrome. Identifiers: MedGen C0472817, MONDO:0023880.
Neoplasm. Also called: tumor; Neoplasms; Neoplasm (disease). Identifiers: MedGen C0027651, MeSH D009369, MONDO:0005070, HP:0002664.

Submissions (2):

Labcorp Genetics (formerly Invitae), Labcorp
Classification: Likely pathogenic for Warts, hypogammaglobulinemia, infections, and myelokathexis. Last evaluated: 2026-01-08. Review status: criteria provided, single submitter. Criteria: Invitae Variant Classification Sherloc (09022015). Collection method: clinical testing. Allele origin: germline.
Comment: This sequence change is expected to alter the c-terminus of the CXCR4 protein (p.Ser338Hisfs*28). While this is not anticipated to result in nonsense mediated decay, it is expected to disrupt the last 15 amino acid(s) of the CXCR4 protein and extend the protein by 12 additional amino acid residues. This variant is not present in population databases (gnomAD no frequency). This variant has not been reported in the literature in individuals affected with CXCR4-related conditions. ClinVar contains an entry for this variant (Variation ID: 3717930). This variant is located in a region of the CXCR4 protein where a significant number of CXCR4 nonsense and frameshift mutations have been reported in association with autosomal dominant WHIM syndrome (PMID: 31313072, 32784523, 35947323, 36089616). In summary, the currently available evidence indicates that the variant is pathogenic, but additional data are needed to prove that conclusively. Therefore, this variant has been classified as Likely Pathogenic.

Center for Genomic Medicine, Rigshospitalet, Copenhagen University Hospital
Classification: Likely oncogenic for Neoplasm. Last evaluated: 2025-12-29. Review status: criteria provided, single submitter. Criteria: ClinGen/CGC/VICC Guidelines for Oncogenicity, 2022. Collection method: clinical testing. Allele origin: somatic. Affected: yes.

Literature cited by the submitters: PubMed 31313072 (cited by Labcorp Genetics (formerly Invitae), Labcorp); PubMed 32784523 (cited by Labcorp Genetics (formerly Invitae), Labcorp); PubMed 35947323 (cited by Labcorp Genetics (formerly Invitae), Labcorp); PubMed 36089616 (cited by Labcorp Genetics (formerly Invitae), Labcorp); PubMed 24912431 (cited by Center for Genomic Medicine, Rigshospitalet, Copenhagen University Hospital).

NM_003467.3(CXCR4):c.1012del (p.Ser338fs)

Gene: CXCR4 (C-X-C motif chemokine receptor 4; minus strand). Cytogenetic location: 2q22.1.
Variant type: Deletion.
Coding change: c.1012del on transcript NM_003467.3 (MANE Select); coding-DNA position 1012, one base deleted (T; older notation c.1012delT).
Protein change: p.Ser338fs; shifts the reading frame from serine 338.
Molecular consequence: frameshift variant.
Genome position (GRCh38, 1-based): chr2:136,114,916, A deleted on the plus strand (T on the coding strand, the reverse complement: CXCR4 is on the minus strand); the first of 2 consecutive A bases (chr2:136,114,916-136,114,917); deleting either gives the same sequence. VCF-style (leftmost placement, unchanged base first): chr2-136114915-GA-G. GRCh37 (hg19) VCF-style: chr2-136872485-GA-G.
Other names: c.1024del, p.Ser342fs (NM_001008540.2); c.1225del, p.Ser409fs (NM_001348056.2); c.1111del, p.Ser371fs (NM_001348059.2); c.967del, p.Ser323fs (NM_001348060.2); c.1012delT (NM_003467.3); short protein forms S338fs, S371fs, S409fs, S323fs, S342fs.
Identifiers: ClinVar variation 3717930 (VCV003717930.3).